The following is an entry in ClinVar:

ClinVar aggregate classification (germline): Uncertain significance (0 of 4 stars; one submission).

Conditions:
GPBAR1-related disorder. Also called: GPBAR1-related condition.

Allele frequency attached by ClinVar (database versions not stated): ExAC 0.00001; gnomAD exomes 0.00001.

Submission:

PreventionGenetics, part of Exact Sciences
Classification: Uncertain significance for GPBAR1-related condition. Last evaluated: 2023-11-21. Review status: no assertion criteria provided. Collection method: clinical testing. Allele origin: germline.
Comment: The GPBAR1 c.601C>T variant is predicted to result in the amino acid substitution p.Arg201Trp. To our knowledge, this variant has not been reported in the literature. This variant is reported in 0.011% of alleles in individuals of East Asian descent in gnomAD. At this time, the clinical significance of this variant is uncertain due to the absence of conclusive functional and genetic evidence.

NM_170699.3(GPBAR1):c.601C>T (p.Arg201Trp)

Gene: GPBAR1 (G protein-coupled bile acid receptor 1; plus strand). Cytogenetic location: 2q35.
Variant type: single nucleotide variant.
Coding change: c.601C>T on transcript NM_170699.3 (MANE Select); coding-DNA position 601, C replaced by T.
Protein change: p.Arg201Trp; replaces arginine 201 with tryptophan.
Molecular consequence: missense variant.
Genome position (GRCh38, 1-based): chr2:218,263,325, C>T. VCF-style: chr2-218263325-C-T. GRCh37 (hg19) VCF-style: chr2-219128048-C-T.
Other names: c.601C>T, p.Arg201Trp (NM_001077191.2, NM_001077194.2, NM_001321950.2); short protein forms R201W.
Identifiers: ClinVar variation 3036163 (VCV003036163.2), dbSNP rs756161981, ClinGen allele CA2102631.